The following is an entry in ClinVar:

NM_015474.4(SAMHD1):c.1102T>C (p.Ser368Pro)

Gene: SAMHD1 (SAM and HD domain containing deoxynucleoside triphosphate triphosphohydrolase 1; minus strand). Cytogenetic location: 20q11.23.
Variant type: single nucleotide variant.
Coding change: c.1102T>C on transcript NM_015474.4 (MANE Select); coding-DNA position 1102, T replaced by C.
Protein change: p.Ser368Pro; replaces serine 368 with proline.
Molecular consequence: missense variant.
Genome position (GRCh38, 1-based): chr20:36,912,513, A>G on the plus strand (T>C on the coding strand, the complement: SAMHD1 is on the minus strand). VCF-style: chr20-36912513-A-G. GRCh37 (hg19) VCF-style: chr20-35540916-A-G.
Other names: c.1102T>C, p.Ser368Pro (NM_001363729.2, NM_001363733.2); short protein forms S368P.
Identifiers: ClinVar variation 4755930 (VCV004755930.1).

ClinVar aggregate classification (germline): Uncertain significance (1 of 4 stars; one submission).

Submission:

GeneDx
Classification: Uncertain significance. Last evaluated: 2025-08-01. Review status: criteria provided, single submitter. Criteria: GeneDx Variant Classification Process June 2021. Collection method: clinical testing. Allele origin: germline. Affected: yes.
Comment: Not observed at significant frequency in large population cohorts (gnomAD); In silico analysis suggests that this missense variant does not alter protein structure/function; Has not been previously published as pathogenic or benign to our knowledge